The following is an entry in ClinVar:

NM_004100.5(EYA4):c.308T>C (p.Leu103Ser)

Genes: EYA4 (EYA transcriptional coactivator and phosphatase 4; plus strand), EYA4-AS2 (EYA4 antisense RNA 2; minus strand). Cytogenetic location: 6q23.2.
Variant type: single nucleotide variant.
Coding change: c.308T>C on transcript NM_004100.5 (MANE Select); coding-DNA position 308, T replaced by C.
Protein change: p.Leu103Ser; replaces leucine 103 with serine.
Molecular consequence: missense variant. On other transcripts: intron variant (2).
Genome position (GRCh38, 1-based): chr6:133,456,586, T>C. VCF-style: chr6-133456586-T-C. GRCh37 (hg19) VCF-style: chr6-133777724-T-C.
Other names: c.308T>C, p.Leu103Ser (NM_001301013.2, NM_172105.4); c.239T>C, p.Leu80Ser (NM_001370458.1, NM_172103.4); c.209-4528T>C (NM_001370459.1, NM_001301012.2); short protein forms L103S, L80S.
Identifiers: ClinVar variation 1727449 (VCV001727449.2), dbSNP rs2534465541, ClinGen allele CA365694313.

ClinVar aggregate classification (germline): Uncertain significance (1 of 4 stars; one submission).

Conditions:
Cardiovascular phenotype. Identifiers: MedGen CN230736.

Allele frequency attached by ClinVar (database versions not stated): gnomAD exomes below 0.00001.
gnomAD v4.1: 1 of 1,613,546 alleles (0.000062%); highest among the groups gnomAD compares: African/African-American, 0.0013%; no homozygotes.

Submission:

Ambry Genetics
Classification: Uncertain significance for Cardiovascular phenotype. Last evaluated: 2021-11-03. Review status: criteria provided, single submitter. Criteria: Ambry Variant Classification Scheme 2023. Collection method: clinical testing. Allele origin: germline.
Comment: The p.L103S variant (also known as c.308T>C), located in coding exon 5 of the EYA4 gene, results from a T to C substitution at nucleotide position 308. The leucine at codon 103 is replaced by serine, an amino acid with dissimilar properties. This amino acid position is not well conserved in available vertebrate species. In addition, this alteration is predicted to be tolerated by in silico analysis. Since supporting evidence is limited at this time, the clinical significance of this alteration remains unclear.